The following is an entry in ClinVar:

NM_001080517.3(SETD5):c.1649C>T (p.Ser550Leu)

Gene: SETD5 (SET domain containing 5; plus strand). Cytogenetic location: 3p25.3.
Variant type: single nucleotide variant.
Coding change: c.1649C>T on transcript NM_001080517.3 (MANE Select); coding-DNA position 1649, C replaced by T.
Protein change: p.Ser550Leu; replaces serine 550 with leucine.
Molecular consequence: missense variant.
Genome position (GRCh38, 1-based): chr3:9,447,174, C>T. VCF-style: chr3-9447174-C-T. GRCh37 (hg19) VCF-style: chr3-9488858-C-T.
Other names: c.1355C>T, p.Ser452Leu (NM_001292043.2, NM_001349451.2); short protein forms S452L, S550L.
Identifiers: ClinVar variation 1304449 (VCV001304449.3), dbSNP rs920251845, ClinGen allele CA69962837.

ClinVar aggregate classification (germline): Uncertain significance. Review status: criteria provided, multiple submitters, no conflicts (2 of 4 stars). 2 submissions from 2 submitters: Uncertain significance (2). Last evaluated 2025-07-02.

Conditions:
Inborn genetic diseases. Identifiers: MedGen C0950123, MeSH D030342.

Allele frequency attached by ClinVar (database versions not stated): gnomAD 0.00001; TOPMed 0.00001.
gnomAD v4.1: 2 of 1,613,896 alleles (0.00012%); highest among the groups gnomAD compares: African/African-American, 0.0027%; no homozygotes.

Submissions (2):

Ambry Genetics
Classification: Uncertain significance for Inborn genetic diseases. Last evaluated: 2025-07-02. Review status: criteria provided, single submitter. Criteria: Ambry Variant Classification Scheme 2023. Collection method: clinical testing. Allele origin: germline.

GeneDx
Classification: Uncertain significance. Last evaluated: 2019-01-02. Review status: criteria provided, single submitter. Criteria: GeneDx Variant Classification Process June 2021. Collection method: clinical testing. Allele origin: germline. Affected: yes.
Comment: In silico analysis, which includes protein predictors and evolutionary conservation, supports that this variant does not alter protein structure/function; Has not been previously published as pathogenic or benign to our knowledge